The following is an entry in ClinVar:

NM_002180.3(IGHMBP2):c.2784+114T>G

Gene: IGHMBP2 (immunoglobulin mu DNA binding protein 2; plus strand). Cytogenetic location: 11q13.3.
Variant type: single nucleotide variant.
Coding change: c.2784+114T>G on transcript NM_002180.3 (MANE Select); 114 bases into the intron after coding-DNA position 2784, T replaced by G.
Molecular consequence: intron variant.
Genome position (GRCh38, 1-based): chr11:68,938,468, T>G. VCF-style: chr11-68938468-T-G. GRCh37 (hg19) VCF-style: chr11-68705936-T-G.
Identifiers: ClinVar variation 681881 (VCV000681881.2), dbSNP rs488792, ClinGen allele CA13420596.

ClinVar aggregate classification (germline): Benign. Review status: criteria provided, multiple submitters, no conflicts (2 of 4 stars). 2 submissions from 2 submitters: Benign (2). Last evaluated 2018-06-14.

Allele frequency attached by ClinVar (database versions not stated): 1000 Genomes Project 30x 0.39959; 1000 Genomes Project 0.39976; TOPMed 0.45871; gnomAD 0.47103 and 0.47111; gnomAD exomes 0.52616.

Submissions (2):

GeneDx
Classification: Benign. Last evaluated: 2018-06-14. Review status: criteria provided, single submitter. Criteria: GeneDx Variant Classification (06012015). Collection method: clinical testing. Allele origin: germline. Affected: yes.
Comment: This variant is considered likely benign or benign based on one or more of the following criteria: it is a conservative change, it occurs at a poorly conserved position in the protein, it is predicted to be benign by multiple in silico algorithms, and/or has population frequency not consistent with disease.

Breakthrough Genomics
Classification: Benign. Review status: criteria provided, single submitter. Criteria: ACMG Guidelines, 2015. Collection method: not provided. Allele origin: germline. Inheritance: Autosomal recessive inheritance. Affected: yes.